The following is an entry in ClinVar:

ClinVar aggregate classification (germline): Likely benign. Review status: criteria provided, single submitter (1 of 4 stars). 2 submissions from 2 submitters: Likely benign (1). 1 of the submissions does not count toward it. Last evaluated 2024-10-16.

Conditions:
ALG1-related disorder. Also called: ALG1-related condition.
ALG1-congenital disorder of glycosylation. Also called: CONGENITAL DISORDER OF GLYCOSYLATION, TYPE Ik; CDG Ik; ALG1-CDG. Identifiers: Orphanet 79327, MedGen C2931005, MONDO:0012052, OMIM 608540.

Allele frequency attached by ClinVar (database versions not stated): TOPMed below 0.00001; gnomAD 0.00001; gnomAD exomes 0.00001; ExAC 0.00002; ESP Exome Variant Server 0.00008.
gnomAD v4.1: 7 of 1,594,902 alleles (0.00044%); highest among the groups gnomAD compares: East Asian, 0.0045%; no homozygotes.

Submissions (2):

Labcorp Genetics (formerly Invitae), Labcorp
Classification: Likely benign for ALG1-congenital disorder of glycosylation. Last evaluated: 2024-10-16. Review status: criteria provided, single submitter. Criteria: Invitae Variant Classification Sherloc (09022015). Collection method: clinical testing. Allele origin: germline.

PreventionGenetics, part of Exact Sciences
Classification: Likely benign for ALG1-related condition. Last evaluated: 2019-10-23. Review status: no assertion criteria provided. Collection method: clinical testing. Allele origin: germline. Not counted in ClinVar's aggregate classification.
Comment: This variant is classified as likely benign based on ACMG/AMP sequence variant interpretation guidelines (Richards et al. 2015 PMID: 25741868, with internal and published modifications).

NM_019109.5(ALG1):c.177C>T (p.His59=)

Genes: ALG1 (ALG1 chitobiosyldiphosphodolichol beta-mannosyltransferase; plus strand), LOC130058384 (ATAC-STARR-seq lymphoblastoid active region 10349; plus strand). Cytogenetic location: 16p13.3.
Variant type: single nucleotide variant.
Coding change: c.177C>T on transcript NM_019109.5 (MANE Select); coding-DNA position 177, C replaced by T.
Protein change: p.His59=; no amino-acid change (histidine 59 retained).
Molecular consequence: synonymous variant.
Genome position (GRCh38, 1-based): chr16:5,072,026, C>T. VCF-style: chr16-5072026-C-T. GRCh37 (hg19) VCF-style: chr16-5122027-C-T.
Other names: c.177C>T (NM_019109.4).
Identifiers: ClinVar variation 1901600 (VCV001901600.7), dbSNP rs369047852, ClinGen allele CA7889688.